The following is an entry in ClinVar:

NM_001098816.3(TENM4):c.7353G>A (p.Met2451Ile)

Gene: TENM4 (teneurin transmembrane protein 4; minus strand). Cytogenetic location: 11q14.1.
Variant type: single nucleotide variant.
Coding change: c.7353G>A on transcript NM_001098816.3 (MANE Select); coding-DNA position 7353, G replaced by A.
Protein change: p.Met2451Ile; replaces methionine 2451 with isoleucine.
Molecular consequence: missense variant.
Genome position (GRCh38, 1-based): chr11:78,668,992, C>T on the plus strand (G>A on the coding strand, the complement: TENM4 is on the minus strand). VCF-style: chr11-78668992-C-T. GRCh37 (hg19) VCF-style: chr11-78380037-C-T.
Other names: short protein forms M2451I.
Identifiers: ClinVar variation 3388028 (VCV003388028.14).

ClinVar aggregate classification (germline): Likely benign (1 of 4 stars; one submission).

gnomAD v4.1: 1,180 of 1,613,952 alleles (0.073%); highest among the groups gnomAD compares: Non-Finnish European, 0.058%; 2 homozygotes.

Submission:

CeGaT Center for Human Genetics Tuebingen
Classification: Likely benign. Last evaluated: 2024-09-01. Review status: criteria provided, single submitter. Criteria: CeGaT Center For Human Genetics Tuebingen Variant Classification Criteria Version 2. Collection method: clinical testing. Allele origin: germline. Affected: yes. Observed: 1 variant allele.
Comment: TENM4: BS1